The following is an entry in ClinVar:

NM_012123.4(MTO1):c.364G>A (p.Val122Met)

Gene: MTO1 (mitochondrial tRNA translation optimization 1; plus strand). Cytogenetic location: 6q13.
Variant type: single nucleotide variant.
Coding change: c.364G>A on transcript NM_012123.4 (MANE Select); coding-DNA position 364, G replaced by A.
Protein change: p.Val122Met; replaces valine 122 with methionine.
Molecular consequence: missense variant.
Genome position (GRCh38, 1-based): chr6:73,466,355, G>A. VCF-style: chr6-73466355-G-A. GRCh37 (hg19) VCF-style: chr6-74176078-G-A.
Other names: c.364G>A, p.Val122Met (NM_001123226.2, NM_133645.3); short protein forms V122M.
Identifiers: ClinVar variation 2231280 (VCV002231280.3), dbSNP rs148349692, ClinGen allele CA3889323.
Genomic context (GRCh38, chr6:73,466,355, plus strand): 5'-CGCATCTGTGACCAGTCTGGTGTACATTATAAAGTATTAAACCGGCGTAAGGGACCAGCT[G>A]TGTGGGGTCTGAGAGCTCAGATTGATAGGAAACTCTATAAACAGAACATGCAGGTAAGAA-3'
Protein context (NP_036255.2, residues 112-132): KVLNRRKGPA[Val122Met]WGLRAQIDRK

ClinVar aggregate classification (germline): Uncertain significance. Review status: criteria provided, multiple submitters, no conflicts (2 of 4 stars). 2 submissions from 2 submitters: Uncertain significance (2). Last evaluated 2024-10-23.

Conditions:
Inborn genetic diseases. Identifiers: MedGen C0950123, MeSH D030342.

Allele frequency attached by ClinVar (database versions not stated): ExAC 0.00001; gnomAD 0.00002; TOPMed 0.00003; ESP Exome Variant Server 0.00008.
gnomAD v4.1: 10 of 1,614,060 alleles (0.00062%); highest among the groups gnomAD compares: African/African-American, 0.011%; no homozygotes.

Submissions (2):

Blueprint Genetics
Classification: Uncertain significance. Last evaluated: 2024-10-23. Review status: criteria provided, single submitter. Criteria: ACMG Guidelines, 2015. Collection method: clinical testing. Allele origin: germline.

Ambry Genetics
Classification: Uncertain significance for Inborn genetic diseases. Last evaluated: 2021-06-15. Review status: criteria provided, single submitter. Criteria: Ambry Variant Classification Scheme 2023. Collection method: clinical testing. Allele origin: germline.
Comment: The c.364G>A (p.V122M) alteration is located in exon 2 (coding exon 2) of the MTO1 gene. This alteration results from a G to A substitution at nucleotide position 364, causing the valine (V) at amino acid position 122 to be replaced by a methionine (M). Based on data from the Genome Aggregation Database (gnomAD) database, the MTO1 c.364G>A alteration was observed in 0.0004% (1/251,484) of total alleles studied. This amino acid position is highly conserved in available vertebrate species. The p.V122M alteration is predicted to be deleterious by in silico analysis. Based on insufficient or conflicting evidence, the clinical significance of this alteration remains unclear.